The following is an entry in ClinVar:

ClinVar aggregate classification (germline): Uncertain significance (1 of 4 stars; one submission).

Allele frequency attached by ClinVar (database versions not stated): TOPMed below 0.00001; gnomAD exomes 0.00001; gnomAD 0.00002; ExAC 0.00005; 1000 Genomes Project 30x 0.00016; 1000 Genomes Project 0.00020.
gnomAD v4.1: 15 of 1,613,820 alleles (0.00093%); highest among the groups gnomAD compares: East Asian, 0.029%; no homozygotes.

Submission:

Labcorp Genetics (formerly Invitae), Labcorp
Classification: Uncertain significance. Last evaluated: 2022-07-09. Review status: criteria provided, single submitter. Criteria: Invitae Variant Classification Sherloc (09022015). Collection method: clinical testing. Allele origin: germline.
Comment: In summary, the available evidence is currently insufficient to determine the role of this variant in disease. Therefore, it has been classified as a Variant of Uncertain Significance. Algorithms developed to predict the effect of missense changes on protein structure and function are either unavailable or do not agree on the potential impact of this missense change (SIFT: "Deleterious"; PolyPhen-2: "Benign"; Align-GVGD: "Class C0"). This variant has not been reported in the literature in individuals affected with DLC1-related conditions. This variant is present in population databases (rs147994291, gnomAD 0.04%). This sequence change replaces methionine, which is neutral and non-polar, with valine, which is neutral and non-polar, at codon 360 of the DLC1 protein (p.Met360Val).

NM_182643.3(DLC1):c.1078A>G (p.Met360Val)

Gene: DLC1 (DLC1 Rho GTPase activating protein; minus strand). Cytogenetic location: 8p22.
Variant type: single nucleotide variant.
Coding change: c.1078A>G on transcript NM_182643.3 (MANE Select); coding-DNA position 1078, A replaced by G.
Protein change: p.Met360Val; replaces methionine 360 with valine.
Molecular consequence: missense variant. On other transcripts: 5 prime UTR variant (1).
Genome position (GRCh38, 1-based): chr8:13,401,565, T>C on the plus strand (A>G on the coding strand, the complement: DLC1 is on the minus strand). VCF-style: chr8-13401565-T-C. GRCh37 (hg19) VCF-style: chr8-13259074-T-C.
Other names: c.1078A>G, p.Met360Val (NM_001348081.2, NM_001413124.1, NM_001413125.1 and 1 more transcripts); c.-374A>G (NM_001348082.2); short protein forms M360V.
Identifiers: ClinVar variation 2113992 (VCV002113992.4), dbSNP rs147994291, ClinGen allele CA4639284.